The following is an entry in ClinVar:

ClinVar aggregate classification (germline): Uncertain significance (1 of 4 stars; one submission).

Conditions:
Hereditary cancer-predisposing syndrome. Also called: Tumor predisposition; Hereditary neoplastic syndrome; Hereditary Cancer Syndrome; Neoplastic Syndromes, Hereditary. Identifiers: Orphanet 140162, MedGen C0027672, MeSH D009386, MONDO:0015356.

Submission:

Ambry Genetics
Classification: Uncertain significance for Hereditary cancer-predisposing syndrome. Last evaluated: 2023-12-14. Review status: criteria provided, single submitter. Criteria: Ambry Variant Classification Scheme 2023. Collection method: clinical testing. Allele origin: germline.
Comment: The p.E386D variant (also known as c.1158G>C), located in coding exon 4 of the AXIN2 gene, results from a G to C substitution at nucleotide position 1158. The glutamic acid at codon 386 is replaced by aspartic acid, an amino acid with highly similar properties. This amino acid position is conserved. In addition, this alteration is predicted to be tolerated by in silico analysis. Since supporting evidence is limited at this time, the clinical significance of this alteration remains unclear.

NM_004655.4(AXIN2):c.1158G>C (p.Glu386Asp)

Gene: AXIN2 (axin 2; minus strand). Cytogenetic location: 17q24.1.
Variant type: single nucleotide variant.
Coding change: c.1158G>C on transcript NM_004655.4 (MANE Select); coding-DNA position 1158, G replaced by C.
Protein change: p.Glu386Asp; replaces glutamic acid 386 with aspartic acid.
Molecular consequence: missense variant.
Genome position (GRCh38, 1-based): chr17:65,538,245, C>G on the plus strand (G>C on the coding strand, the complement: AXIN2 is on the minus strand). VCF-style: chr17-65538245-C-G. GRCh37 (hg19) VCF-style: chr17-63534363-C-G.
Other names: c.1158G>C, p.Glu386Asp (NM_001363813.1); short protein forms E386D.
Identifiers: ClinVar variation 3224347 (VCV003224347.1), dbSNP rs1357746305, ClinGen allele CA400678281.